The following is an entry in ClinVar:

ClinVar aggregate classification (germline): Uncertain significance (1 of 4 stars; one submission).

Allele frequency attached by ClinVar (database versions not stated): ExAC 0.00002; gnomAD exomes 0.00002; TOPMed 0.00004; gnomAD 0.00006.
gnomAD v4.1: 41 of 1,613,924 alleles (0.0025%); highest among the groups gnomAD compares: Middle Eastern, 0.033%; no homozygotes.

Submission:

CeGaT Center for Human Genetics Tuebingen
Classification: Uncertain significance. Last evaluated: 2022-06-01. Review status: criteria provided, single submitter. Criteria: CeGaT Center For Human Genetics Tuebingen Variant Classification Criteria Version 2. Collection method: clinical testing. Allele origin: germline. Affected: yes. Observed: 1 variant allele.
Comment: SCUBE3: PM2, BP4

NM_152753.4(SCUBE3):c.2402-7G>A

Gene: SCUBE3 (signal peptide, CUB domain and EGF like domain containing 3; plus strand). Cytogenetic location: 6p21.31.
Variant type: single nucleotide variant.
Coding change: c.2402-7G>A on transcript NM_152753.4 (MANE Select); 7 bases into the intron before coding-DNA position 2402, G replaced by A.
Molecular consequence: intron variant.
Genome position (GRCh38, 1-based): chr6:35,245,221, G>A. VCF-style: chr6-35245221-G-A. GRCh37 (hg19) VCF-style: chr6-35212998-G-A.
Other names: c.2399-7G>A (NM_001303136.2).
Identifiers: ClinVar variation 2656508 (VCV002656508.24), dbSNP rs759192387, ClinGen allele CA3769788.